The following is an entry in ClinVar:

ClinVar aggregate classification (germline): Uncertain significance. Review status: criteria provided, multiple submitters, no conflicts (2 of 4 stars). 2 submissions from 2 submitters: Uncertain significance (2). Last evaluated 2025-12-27.

Conditions:
Hereditary cancer-predisposing syndrome. Also called: Neoplastic Syndromes, Hereditary; Hereditary neoplastic syndrome; Tumor predisposition; Hereditary Cancer Syndrome. Identifiers: Orphanet 140162, MedGen C0027672, MeSH D009386, MONDO:0015356.

Allele frequency attached by ClinVar (database versions not stated): gnomAD exomes below 0.00001; ExAC 0.00001.
gnomAD v4.1: 1 of 1,614,144 alleles (0.000062%); highest among the groups gnomAD compares: African/African-American, 0.0013%; no homozygotes.

Submissions (2):

Ambry Genetics
Classification: Uncertain significance for Hereditary cancer-predisposing syndrome. Last evaluated: 2025-12-27. Review status: criteria provided, single submitter. Criteria: Ambry Variant Classification Scheme 2023. Collection method: clinical testing. Allele origin: germline.
Comment: The p.D101G variant (also known as c.302A>G), located in coding exon 3 of the SMARCB1 gene, results from an A to G substitution at nucleotide position 302. The aspartic acid at codon 101 is replaced by glycine, an amino acid with similar properties. This amino acid position is conserved. In addition, the in silico prediction for this alteration is inconclusive. Based on the available evidence, the clinical significance of this variant remains unclear.

Labcorp Genetics (formerly Invitae), Labcorp
Classification: Uncertain significance. Last evaluated: 2023-12-27. Review status: criteria provided, single submitter. Criteria: Invitae Variant Classification Sherloc (09022015). Collection method: clinical testing. Allele origin: germline.
Comment: This sequence change replaces aspartic acid, which is acidic and polar, with glycine, which is neutral and non-polar, at codon 101 of the SMARCB1 protein (p.Asp101Gly). This variant is present in population databases (rs762188226, gnomAD 0.007%). This variant has not been reported in the literature in individuals affected with SMARCB1-related conditions. ClinVar contains an entry for this variant (Variation ID: 582394). Advanced modeling of protein sequence and biophysical properties (such as structural, functional, and spatial information, amino acid conservation, physicochemical variation, residue mobility, and thermodynamic stability) performed at Invitae indicates that this missense variant is not expected to disrupt SMARCB1 protein function with a negative predictive value of 80%. In summary, the available evidence is currently insufficient to determine the role of this variant in disease. Therefore, it has been classified as a Variant of Uncertain Significance.

NM_003073.5(SMARCB1):c.302A>G (p.Asp101Gly)

Gene: SMARCB1 (SWI/SNF related BAF chromatin remodeling complex subunit B1; plus strand). Cytogenetic location: 22q11.23.
Variant type: single nucleotide variant.
Coding change: c.302A>G on transcript NM_003073.5 (MANE Select); coding-DNA position 302, A replaced by G.
Protein change: p.Asp101Gly; replaces aspartic acid 101 with glycine.
Molecular consequence: missense variant.
Genome position (GRCh38, 1-based): chr22:23,793,628, A>G. VCF-style: chr22-23793628-A-G. GRCh37 (hg19) VCF-style: chr22-24135815-A-G.
Other names: c.275A>G, p.Asp92Gly (NM_001007468.3, NM_001317946.2); c.302A>G, p.Asp101Gly (NM_001362877.2); c.302A>G (LRG_520t1); short protein forms D101G, D92G.
Identifiers: ClinVar variation 582394 (VCV000582394.11), dbSNP rs762188226, ClinGen allele CA10145889.